The following is an entry in ClinVar:

NM_003680.4(YARS1):c.620G>A (p.Arg207Gln)

Gene: YARS1 (tyrosyl-tRNA synthetase 1; minus strand). Cytogenetic location: 1p35.1.
Variant type: single nucleotide variant.
Coding change: c.620G>A on transcript NM_003680.4 (MANE Select); coding-DNA position 620, G replaced by A.
Protein change: p.Arg207Gln; replaces arginine 207 with glutamine.
Molecular consequence: missense variant.
Genome position (GRCh38, 1-based): chr1:32,791,226, C>T on the plus strand (G>A on the coding strand, the complement: YARS1 is on the minus strand). VCF-style: chr1-32791226-C-T. GRCh37 (hg19) VCF-style: chr1-33256827-C-T.
Other names: short protein forms R207Q.
Identifiers: ClinVar variation 1681520 (VCV001681520.8), dbSNP rs371267865, ClinGen allele CA745148.

ClinVar aggregate classification (germline): Conflicting classifications of pathogenicity. Review status: criteria provided, conflicting classifications (1 of 4 stars). 2 submissions from 2 submitters: Likely pathogenic (1); Uncertain significance (1). Last evaluated 2023-09-25.

Conditions:
Inborn genetic diseases. Identifiers: MedGen C0950123, MeSH D030342.
Charcot-Marie-Tooth disease dominant intermediate C (CMTDIC). Also called: CHARCOT-MARIE-TOOTH NEUROPATHY, DOMINANT INTERMEDIATE C. Identifiers: Orphanet 100045, MedGen C1842237, MONDO:0012012, OMIM 608323.

Allele frequency attached by ClinVar (database versions not stated): gnomAD 0.00001; gnomAD exomes 0.00001 and 0.00004; ExAC 0.00002; TOPMed 0.00002; ESP Exome Variant Server 0.00008.
gnomAD v4.1: 54 of 1,613,920 alleles (0.0033%); highest among the groups gnomAD compares: Non-Finnish European, 0.0044%; no homozygotes.

Submissions (2):

Ambry Genetics
Classification: Uncertain significance for Inborn genetic diseases. Last evaluated: 2023-09-25. Review status: criteria provided, single submitter. Criteria: Ambry Variant Classification Scheme 2023. Collection method: clinical testing. Allele origin: germline.

Labcorp Genetics (formerly Invitae), Labcorp
Classification: Likely pathogenic for Charcot-Marie-Tooth disease dominant intermediate C. Last evaluated: 2023-01-24. Review status: criteria provided, single submitter. Criteria: Invitae Variant Classification Sherloc (09022015). Collection method: clinical testing. Allele origin: germline.
Comment: In summary, the currently available evidence indicates that the variant is pathogenic, but additional data are needed to prove that conclusively. Therefore, this variant has been classified as Likely Pathogenic. Algorithms developed to predict the effect of sequence changes on RNA splicing suggest that this variant may create or strengthen a splice site. Advanced modeling of protein sequence and biophysical properties (such as structural, functional, and spatial information, amino acid conservation, physicochemical variation, residue mobility, and thermodynamic stability) performed at Invitae indicates that this missense variant is expected to disrupt YARS protein function. ClinVar contains an entry for this variant (Variation ID: 1681520). This missense change has been observed in individual(s) with autosomal dominant Charcot-Marie-Tooth disease (PMID: 30340945). In at least one individual the variant was observed to be de novo. This variant has been reported in individual(s) with autosomal recessive YARS-related conditions (Invitae); however, the role of the variant in this condition is currently unclear. This variant is present in population databases (rs371267865, gnomAD 0.003%). This sequence change replaces arginine, which is basic and polar, with glutamine, which is neutral and polar, at codon 207 of the YARS protein (p.Arg207Gln).

Literature cited by the submitters: PubMed 30340945 (cited by Ambry Genetics and Labcorp Genetics (formerly Invitae), Labcorp).